The following is an entry in ClinVar:

ClinVar aggregate classification (germline): Uncertain significance (1 of 4 stars; one submission).

Conditions:
Early-infantile DEE. Also called: Early infantile epileptic encephalopathy; Early infantile epileptic encephalopathy with suppression bursts; Ohtahara syndrome. Identifiers: Orphanet 1934, MedGen C0393706, MONDO:0800491.

gnomAD v4.1: 8 of 1,613,904 alleles (0.0005%); highest among the groups gnomAD compares: African/African-American, 0.0013%; no homozygotes.

Submission:

Labcorp Genetics (formerly Invitae), Labcorp
Classification: Uncertain significance for Early-infantile DEE. Last evaluated: 2023-12-11. Review status: criteria provided, single submitter. Criteria: Invitae Variant Classification Sherloc (09022015). Collection method: clinical testing. Allele origin: germline.
Comment: This sequence change replaces proline, which is neutral and non-polar, with arginine, which is basic and polar, at codon 852 of the HCN1 protein (p.Pro852Arg). This variant is present in population databases (rs201368368, gnomAD 0.007%). This variant has not been reported in the literature in individuals affected with HCN1-related conditions. Advanced modeling of protein sequence and biophysical properties (such as structural, functional, and spatial information, amino acid conservation, physicochemical variation, residue mobility, and thermodynamic stability) performed at Invitae indicates that this missense variant is not expected to disrupt HCN1 protein function with a negative predictive value of 95%. In summary, the available evidence is currently insufficient to determine the role of this variant in disease. Therefore, it has been classified as a Variant of Uncertain Significance.

NM_021072.4(HCN1):c.2555C>G (p.Pro852Arg)

Gene: HCN1 (hyperpolarization activated cyclic nucleotide gated potassium channel 1; minus strand). Cytogenetic location: 5p12.
Variant type: single nucleotide variant.
Coding change: c.2555C>G on transcript NM_021072.4 (MANE Select); coding-DNA position 2555, C replaced by G.
Protein change: p.Pro852Arg; replaces proline 852 with arginine.
Molecular consequence: missense variant.
Genome position (GRCh38, 1-based): chr5:45,262,039, G>C on the plus strand (C>G on the coding strand, the complement: HCN1 is on the minus strand). VCF-style: chr5-45262039-G-C. GRCh37 (hg19) VCF-style: chr5-45262141-G-C.
Other names: short protein forms P852R.
Identifiers: ClinVar variation 2822523 (VCV002822523.3), dbSNP rs201368368, ClinGen allele CA3259086.
Genomic context (GRCh38, chr5:45,262,039, plus strand): 5'-GAAGATTCTCTTGGAAGAGCAGCTGCTGGTGGAGGGGGTGCTGGAGGGACTCCTCGGTTC[G>C]GGGGGATGGCTCCCGACGACATCTGTCGGAAGAGGGTGACGCGCTGCGGGACAGTGCTCC-3'
Protein context (NP_066550.2, residues 842-862): FRQMSSGAIP[Pro852Arg]NRGVPPAPPP